The following is an entry in ClinVar:

NM_001165963.4(SCN1A):c.1694C>T (p.Ser565Leu)

Gene: SCN1A (sodium voltage-gated channel alpha subunit 1; minus strand). Cytogenetic location: 2q24.3.
Variant type: single nucleotide variant.
Coding change: c.1694C>T on transcript NM_001165963.4 (MANE Select); coding-DNA position 1694, C replaced by T.
Protein change: p.Ser565Leu; replaces serine 565 with leucine.
Molecular consequence: missense variant. On other transcripts: 5 prime UTR variant (1), non-coding transcript variant (1).
Genome position (GRCh38, 1-based): chr2:166,044,018, G>A on the plus strand (C>T on the coding strand, the complement: SCN1A is on the minus strand). VCF-style: chr2-166044018-G-A. GRCh37 (hg19) VCF-style: chr2-166900528-G-A.
Other names: c.1694C>T, p.Ser565Leu (NM_001165964.3, NM_001202435.3, NM_001353948.2 and 7 more transcripts); c.1691C>T, p.Ser564Leu (NM_001353954.2, NM_001353955.2, NM_001353960.2); c.-732C>T (NM_001353961.2); short protein forms S565L, S564L.
Identifiers: ClinVar variation 1778203 (VCV001778203.4), dbSNP rs2468156189, ClinGen allele CA349068036.
Genomic context (GRCh38, chr2:166,044,018, plus strand): 5'-CCCACATCCTTTGCTCGCCCTCTAAAGCTGAAAAGGCTTGTTCTGCTATTTCGCCTTGGT[G>A]AAAATAGGGAGCCACGGATGCTCAACAAAGACTAGAAGTTTGAAAGAGCAAACAAATAAA-3'
Protein context (NP_001159435.1, residues 555-575): SLLSIRGSLF[Ser565Leu]PRRNSRTSLF

ClinVar aggregate classification (germline): Uncertain significance. Review status: criteria provided, multiple submitters, no conflicts (2 of 4 stars). 2 submissions from 2 submitters: Uncertain significance (2). Last evaluated 2024-06-05.

Conditions:
Early-infantile DEE. Also called: Early infantile epileptic encephalopathy; Early infantile epileptic encephalopathy with suppression bursts; Ohtahara syndrome. Identifiers: Orphanet 1934, MedGen C0393706, MONDO:0800491.
Inborn genetic diseases. Identifiers: MedGen C0950123, MeSH D030342.

Submissions (2):

Labcorp Genetics (formerly Invitae), Labcorp
Classification: Uncertain significance for Early-infantile DEE. Last evaluated: 2024-06-05. Review status: criteria provided, single submitter. Criteria: Invitae Variant Classification Sherloc (09022015). Collection method: clinical testing. Allele origin: germline.
Comment: This sequence change replaces serine, which is neutral and polar, with leucine, which is neutral and non-polar, at codon 565 of the SCN1A protein (p.Ser565Leu). This variant is not present in population databases (gnomAD no frequency). This variant has not been reported in the literature in individuals affected with SCN1A-related conditions. ClinVar contains an entry for this variant (Variation ID: 1778203). Advanced modeling of protein sequence and biophysical properties (such as structural, functional, and spatial information, amino acid conservation, physicochemical variation, residue mobility, and thermodynamic stability) performed at Invitae indicates that this missense variant is not expected to disrupt SCN1A protein function with a negative predictive value of 95%. In summary, the available evidence is currently insufficient to determine the role of this variant in disease. Therefore, it has been classified as a Variant of Uncertain Significance.

Ambry Genetics
Classification: Uncertain significance for Inborn genetic diseases. Last evaluated: 2018-07-13. Review status: criteria provided, single submitter. Criteria: Ambry Variant Classification Scheme 2023. Collection method: clinical testing. Allele origin: germline.
Comment: The p.S565L variant (also known as c.1694C>T), located in coding exon 11 of the SCN1A gene, results from a C to T substitution at nucleotide position 1694. The serine at codon 565 is replaced by leucine, an amino acid with dissimilar properties. This amino acid position is highly conserved in available vertebrate species. In addition, the in silico prediction for this alteration is inconclusive. Since supporting evidence is limited at this time, the clinical significance of this alteration remains unclear.